The following is an entry in ClinVar:

ClinVar aggregate classification (germline): Likely benign (0 of 4 stars; one submission).

Conditions:
MFRP-related disorder. Also called: MFRP-related disorders; MFRP-related condition.

Submission:

PreventionGenetics, part of Exact Sciences
Classification: Likely benign for MFRP-related condition. Last evaluated: 2020-04-29. Review status: no assertion criteria provided. Collection method: clinical testing. Allele origin: germline.
Comment: This variant is classified as likely benign based on ACMG/AMP sequence variant interpretation guidelines (Richards et al. 2015 PMID: 25741868, with internal and published modifications).

NM_031433.4(MFRP):c.75C>T (p.Ala25=)

Genes: C1QTNF5 (C1q and TNF related 5; minus strand), MFRP (membrane frizzled-related protein; minus strand). Cytogenetic location: 11q23.3.
Variant type: single nucleotide variant.
Coding change: c.75C>T on transcript NM_031433.4 (MANE Select); coding-DNA position 75, C replaced by T.
Protein change: p.Ala25=; no amino-acid change (alanine 25 retained).
Molecular consequence: synonymous variant. On other transcripts: 5 prime UTR variant (1).
Genome position (GRCh38, 1-based): chr11:119,346,354, G>A on the plus strand (C>T on the coding strand, the complement: MFRP is on the minus strand). VCF-style: chr11-119346354-G-A. GRCh37 (hg19) VCF-style: chr11-119217064-G-A.
Other names: c.-2562C>T (NM_015645.5).
Identifiers: ClinVar variation 3054929 (VCV003054929.2), dbSNP rs2497095305, ClinGen allele CA477378235.